The following is an entry in ClinVar:

ClinVar aggregate classification (germline): Pathogenic (1 of 4 stars; one submission).

Conditions:
Wolman disease (WOLD). Also called: LYSOSOMAL ACID LIPASE DEFICIENCY, ACUTE INFANTILE; LYSOSOMAL ACID LIPASE DEFICIENCY, COMPLETE; LIPA DEFICIENCY, COMPLETE; LAL DEFICIENCY, COMPLETE; CHOLESTEROL ESTER HYDROLASE DEFICIENCY, COMPLETE; Acid cholesteryl ester hydrolase deficiency, Wolman type. Identifiers: Orphanet 75233, MedGen C0043208, MONDO:0019148, OMIM 620151.

Submission:

Labcorp Genetics (formerly Invitae), Labcorp
Classification: Pathogenic for Wolman disease. Last evaluated: 2023-12-21. Review status: criteria provided, single submitter. Criteria: Invitae Variant Classification Sherloc (09022015). Collection method: clinical testing. Allele origin: unknown.
Comment: This variant is a gross deletion of the genomic region encompassing exon(s) 9-10 of the LIPA gene, which includes the termination codon. This deletion extends beyond the assayed region for this gene and therefore may encompass additional genes. While this deletion is not anticipated to lead to nonsense mediated decay, it is expected to alter mRNA translation or result in a truncated protein product. A similar copy number variant has been observed in individual(s) with clinical features of LIPA-related conditions (PMID: 33568092; Invitae). This variant disrupts a region of the LIPA protein in which other variant(s) (p.Gly342Arg) have been determined to be pathogenic (PMID: 10562460, 22227072, 24048164, 28881270, 29196158). This suggests that this is a clinically significant region of the protein, and that variants that disrupt it are likely to be disease-causing. For these reasons, this variant has been classified as Pathogenic.

Literature cited by the submitters: PubMed 33568092; PubMed 10562460; PubMed 22227072; PubMed 24048164; PubMed 28881270; PubMed 29196158.

NC_000010.10:g.(?_90974585)_(90975786_?)del

Gene: LIPA (lipase A, lysosomal acid type; minus strand). Cytogenetic location: 10q23.31.
Variant type: Deletion.
Identifiers: ClinVar variation 3244814 (VCV003244814.1).